The following is an entry in ClinVar:

ClinVar aggregate classification (germline): Uncertain significance (1 of 4 stars; one submission).

Conditions:
Long QT syndrome (LQTS). Identifiers: MedGen C0023976, MeSH D008133, MONDO:0002442. Disease mechanism: loss of function. Inheritance: Various modes of inheritance.

Allele frequency attached by ClinVar (database versions not stated): gnomAD exomes below 0.00001.
gnomAD v4.1: 2 of 1,613,914 alleles (0.00012%); highest among the groups gnomAD compares: East Asian, 0.0045%; no homozygotes.

Submission:

Labcorp Genetics (formerly Invitae), Labcorp
Classification: Uncertain significance for Long QT syndrome. Last evaluated: 2023-06-05. Review status: criteria provided, single submitter. Criteria: Invitae Variant Classification Sherloc (09022015). Collection method: clinical testing. Allele origin: germline.
Comment: In summary, the available evidence is currently insufficient to determine the role of this variant in disease. Therefore, it has been classified as a Variant of Uncertain Significance. Algorithms developed to predict the effect of missense changes on protein structure and function output the following: SIFT: "Not Available"; PolyPhen-2: "Benign"; Align-GVGD: "Not Available". The leucine amino acid residue is found in multiple mammalian species, which suggests that this missense change does not adversely affect protein function. ClinVar contains an entry for this variant (Variation ID: 240253). This variant has not been reported in the literature in individuals affected with AKAP9-related conditions. This variant is not present in population databases (gnomAD no frequency). This sequence change replaces glutamine, which is neutral and polar, with leucine, which is neutral and non-polar, at codon 1352 of the AKAP9 protein (p.Gln1352Leu).

NM_005751.5(AKAP9):c.4055A>T (p.Gln1352Leu)

Gene: AKAP9 (A-kinase anchoring protein 9; plus strand). Cytogenetic location: 7q21.2.
Variant type: single nucleotide variant.
Coding change: c.4055A>T on transcript NM_005751.5 (MANE Select); coding-DNA position 4055, A replaced by T.
Protein change: p.Gln1352Leu; replaces glutamine 1352 with leucine.
Molecular consequence: missense variant.
Genome position (GRCh38, 1-based): chr7:92,022,916, A>T. VCF-style: chr7-92022916-A-T. GRCh37 (hg19) VCF-style: chr7-91652230-A-T.
Other names: c.4055A>T, p.Gln1352Leu (NM_147185.3); short protein forms Q1352L.
Identifiers: ClinVar variation 240253 (VCV000240253.8), dbSNP rs878854807, ClinGen allele CA10582544.